The following is an entry in ClinVar:

NM_000384.3(APOB):c.11182G>A (p.Asp3728Asn)

Gene: APOB (apolipoprotein B; minus strand). Cytogenetic location: 2p24.1.
Variant type: single nucleotide variant.
Coding change: c.11182G>A on transcript NM_000384.3 (MANE Select); coding-DNA position 11182, G replaced by A.
Protein change: p.Asp3728Asn; replaces aspartic acid 3728 with asparagine.
Molecular consequence: missense variant.
Genome position (GRCh38, 1-based): chr2:21,005,686, C>T on the plus strand (G>A on the coding strand, the complement: APOB is on the minus strand). VCF-style: chr2-21005686-C-T. GRCh37 (hg19) VCF-style: chr2-21228558-C-T.
Other names: short protein forms D3728N.
Identifiers: ClinVar variation 2565873 (VCV002565873.2), dbSNP rs1198549888, ClinGen allele CA345980837.

ClinVar aggregate classification (germline): Uncertain significance (1 of 4 stars; one submission).

Conditions:
Cardiovascular phenotype. Identifiers: MedGen CN230736.

gnomAD v4.1: 5 of 1,613,920 alleles (0.00031%); highest among the groups gnomAD compares: Middle Eastern, 0.017%; no homozygotes.

Submission:

Ambry Genetics
Classification: Uncertain significance for Cardiovascular phenotype. Last evaluated: 2023-05-26. Review status: criteria provided, single submitter. Criteria: Ambry Variant Classification Scheme 2023. Collection method: clinical testing. Allele origin: germline.
Comment: The p.D3728N variant (also known as c.11182G>A), located in coding exon 26 of the APOB gene, results from a G to A substitution at nucleotide position 11182. The aspartic acid at codon 3728 is replaced by asparagine, an amino acid with highly similar properties. This amino acid position is conserved. In addition, this alteration is predicted to be tolerated by in silico analysis. Since supporting evidence is limited at this time, the clinical significance of this alteration remains unclear.